The following is an entry in ClinVar:

NM_000206.3(IL2RG):c.270-15A>G

Genes: CXorf65 (chromosome X open reading frame 65; minus strand), IL2RG (interleukin 2 receptor subunit gamma; minus strand). Cytogenetic location: Xq13.1.
Variant type: single nucleotide variant.
Coding change: c.270-15A>G on transcript NM_000206.3 (MANE Select); 15 bases into the intron before coding-DNA position 270, A replaced by G.
Molecular consequence: intron variant.
Genome position (GRCh38, 1-based): chrX:71,110,703, T>C on the plus strand (A>G on the coding strand, the complement: IL2RG is on the minus strand). VCF-style: chrX-71110703-T-C. GRCh37 (hg19) VCF-style: chrX-70330553-T-C.
Identifiers: ClinVar variation 265194 (VCV000265194.11), dbSNP rs886039387, ClinGen allele CA10588799.

ClinVar aggregate classification (germline): Pathogenic. Review status: criteria provided, multiple submitters, no conflicts (2 of 4 stars). 4 submissions from 4 submitters: Pathogenic (4). Last evaluated 2025-06-23.

Conditions:
X-linked severe combined immunodeficiency (SCIDX1). Also called: IMMUNODEFICIENCY 4; SCID, X-LINKED; SEVERE COMBINED IMMUNODEFICIENCY, X-LINKED, T CELL-NEGATIVE, B CELL-POSITIVE, NK CELL-NEGATIVE; T-B+ severe combined immunodeficiency due to gamma chain deficiency; X-Linked Combined Immunodeficiency Diseases. Identifiers: Orphanet 276, MedGen C6022468, MONDO:0010315, OMIM 300400. Disease mechanism: loss of function.

Submissions (4):

Undiagnosed Diseases Network, NIH
Classification: Pathogenic for X-linked severe combined immunodeficiency. Last evaluated: 2025-06-23. Review status: criteria provided, single submitter. Criteria: ACMG Guidelines, 2015. Collection method: clinical testing. Allele origin: maternal. Affected: yes. Observed: 2 variant alleles, 1 heterozygote, 1 hemizygote. Study: Undiagnosed Diseases Network (NIH), UDN.
Comment: The c.270-15A>G variant in the IL2RG gene has been previously reported in individuals with Severe combined immunodeficiency (PMID: 8541866, 9058718, 11129345). Functional studies suggest this variant is functionally defective (PMID: 8541866). This variant has not been observed in gnomAD. This intronic variant is predicted to have a possible effect on splicing (SpliceAI: 0.380).

Labcorp Genetics (formerly Invitae), Labcorp
Classification: Pathogenic for X-linked severe combined immunodeficiency. Last evaluated: 2025-01-23. Review status: criteria provided, single submitter. Criteria: Invitae Variant Classification Sherloc (09022015). Collection method: clinical testing. Allele origin: germline.
Comment: This sequence change falls in intron 2 of the IL2RG gene. It does not directly change the encoded amino acid sequence of the IL2RG protein. RNA analysis indicates that this variant induces altered splicing and may result in an absent or altered protein product. This variant is not present in population databases (gnomAD no frequency). This variant has been observed in individual(s) with severe combined immunodeficiency (PMID: 8541866, 11129345; internal data). This variant is also known as 284(–15)A→G. ClinVar contains an entry for this variant (Variation ID: 265194). Studies have shown that this variant results in activation of a cryptic splice site, and produces a non-functional protein and/or introduces a premature termination codon (PMID: 8541866). For these reasons, this variant has been classified as Pathogenic.

Institute of Medical Genetics and Applied Genomics, University Hospital Tübingen
Classification: Pathogenic for X-linked severe combined immunodeficiency. Last evaluated: 2024-09-25. Review status: criteria provided, single submitter. Criteria: ACMG Guidelines, 2015. Collection method: clinical testing. Allele origin: germline. Inheritance: X-linked recessive inheritance. Affected: yes.

GeneDx
Classification: Pathogenic. Last evaluated: 2016-05-23. Review status: criteria provided, single submitter. Criteria: GeneDx Variant Classification (06012015). Collection method: clinical testing. Allele origin: germline. Affected: yes.
Comment: This variant has been reported previously in association with X-linked SCID (Puck et al., 1997; Kumaki et al., 2000). c.270-15 A>G is predicted to create a cryptic splice acceptor site, which was shown to produce an abnormal message subject to nonsense-mediated mRNA decay (Tassara et al., 1995). This splice variant was not observed in approximately 6,500 individuals of European and African American ancestry in the NHLBI Exome Sequencing Project, indicating it is not a common benign variant in these populations.

Literature cited by the submitters: PubMed 8541866 (cited by Undiagnosed Diseases Network, NIH and Labcorp Genetics (formerly Invitae), Labcorp); PubMed 9058718 (cited by Undiagnosed Diseases Network, NIH); PubMed 11129345 (cited by Undiagnosed Diseases Network, NIH and Labcorp Genetics (formerly Invitae), Labcorp).